The following is an entry in ClinVar:

NM_005591.4(MRE11):c.37T>A (p.Phe13Ile)

Gene: MRE11 (MRE11 double strand break repair nuclease; minus strand). Cytogenetic location: 11q21.
Variant type: single nucleotide variant.
Coding change: c.37T>A on transcript NM_005591.4 (MANE Select); coding-DNA position 37, T replaced by A.
Protein change: p.Phe13Ile; replaces phenylalanine 13 with isoleucine.
Molecular consequence: missense variant.
Genome position (GRCh38, 1-based): chr11:94,490,949, A>T on the plus strand (T>A on the coding strand, the complement: MRE11 is on the minus strand). VCF-style: chr11-94490949-A-T. GRCh37 (hg19) VCF-style: chr11-94224115-A-T.
Other names: c.37T>A, p.Phe13Ile (NM_001330347.2, NM_005590.4); short protein forms F13I.
Identifiers: ClinVar variation 141225 (VCV000141225.23), dbSNP rs149101834, ClinGen allele CA333197.

ClinVar aggregate classification (germline): Benign/Likely benign. Review status: criteria provided, multiple submitters, no conflicts (2 of 4 stars). 7 submissions from 7 submitters: Benign (4); Likely benign (2). 1 of the submissions does not count toward it. Last evaluated 2026-01-05.

Conditions:
MRE11-related disorder. Also called: MRE11-related condition.
Ataxia-telangiectasia-like disorder (ATLD). Identifiers: MedGen C1858391, MONDO:0011457.
Hereditary cancer-predisposing syndrome. Also called: Neoplastic Syndromes, Hereditary; Tumor predisposition; Hereditary Cancer Syndrome; Hereditary neoplastic syndrome. Identifiers: Orphanet 140162, MedGen C0027672, MeSH D009386, MONDO:0015356.

Allele frequency attached by ClinVar (database versions not stated): ESP Exome Variant Server 0.00108; 1000 Genomes Project 0.00140; 1000 Genomes Project 30x 0.00141; TOPMed 0.00098.
gnomAD v4.1: 244 of 1,477,012 alleles (0.017%); highest among the groups gnomAD compares: African/African-American, 0.31%; 1 homozygote.

Submissions (7):

Labcorp Genetics (formerly Invitae), Labcorp
Classification: Likely benign for Ataxia-telangiectasia-like disorder. Last evaluated: 2026-01-05. Review status: criteria provided, single submitter. Criteria: Invitae Variant Classification Sherloc (09022015). Collection method: clinical testing. Allele origin: germline.

Sema4
Classification: Likely benign for Hereditary cancer-predisposing syndrome. Last evaluated: 2020-12-03. Review status: criteria provided, single submitter. Criteria: Sema4 Curation Guidelines. Collection method: curation. Allele origin: germline.

Athena Diagnostics
Classification: Benign. Last evaluated: 2019-03-20. Review status: criteria provided, single submitter. Criteria: Athena Diagnostics Criteria. Collection method: clinical testing. Allele origin: germline.

Quest Diagnostics Nichols Institute San Juan Capistrano
Classification: Benign. Last evaluated: 2019-03-20. Review status: criteria provided, single submitter. Criteria: Quest Diagnostics criteria. Collection method: clinical testing. Allele origin: unknown.

Women's Health and Genetics/Laboratory Corporation of America, LabCorp
Classification: Benign. Last evaluated: 2017-10-13. Review status: criteria provided, single submitter. Criteria: LabCorp Variant Classification Summary - May 2015. Collection method: clinical testing. Allele origin: germline.
Comment: Variant summary: The MRE11A c.37T>A (p.Phe13Ile) variant located in the calcineurin-like phosphoesterase domain (via InterPro) involves the alteration of a conserved nucleotide and 3/5 in silico tools predict a benign outcome for this variant. However, these predictions have yet to be functionally assessed. This variant was found in 96/273540 control chromosomes at a frequency of 0.000351, which is approximately 6 times the estimated maximal expected allele frequency of a pathogenic MRE11A variant (0.0000625), suggesting this variant is likely a benign polymorphism. In addition, multiple clinical diagnostic laboratories classified this variant as "likely benign/benign." The variant of interest has not, to our knowledge, been reported in affected individuals via publications. Taken together, this variant is classified as benign.

Ambry Genetics
Classification: Benign for Hereditary cancer-predisposing syndrome. Last evaluated: 2015-11-19. Review status: criteria provided, single submitter. Criteria: Ambry Variant Classification Scheme 2023. Collection method: clinical testing. Allele origin: germline.

PreventionGenetics, part of Exact Sciences
Classification: Benign for MRE11-related condition. Last evaluated: 2020-09-22. Review status: no assertion criteria provided. Collection method: clinical testing. Allele origin: germline. Not counted in ClinVar's aggregate classification.
Comment: This variant is classified as benign based on ACMG/AMP sequence variant interpretation guidelines (Richards et al. 2015 PMID: 25741868, with internal and published modifications).